The following is an entry in ClinVar:

NM_000256.3(MYBPC3):c.654+12G>A

Gene: MYBPC3 (myosin binding protein C3; minus strand). Cytogenetic location: 11p11.2.
Variant type: single nucleotide variant.
Coding change: c.654+12G>A on transcript NM_000256.3 (MANE Select); 12 bases into the intron after coding-DNA position 654, G replaced by A.
Molecular consequence: intron variant.
Genome position (GRCh38, 1-based): chr11:47,349,762, C>T on the plus strand (G>A on the coding strand, the complement: MYBPC3 is on the minus strand). VCF-style: chr11-47349762-C-T. GRCh37 (hg19) VCF-style: chr11-47371313-C-T.
Identifiers: ClinVar variation 42781 (VCV000042781.13), dbSNP rs397516065, ClinGen allele CA015624.

ClinVar aggregate classification (germline): Benign/Likely benign. Review status: criteria provided, multiple submitters, no conflicts (2 of 4 stars). 3 submissions from 3 submitters: Benign (1); Likely benign (2). Last evaluated 2025-12-16.

Conditions:
Hypertrophic cardiomyopathy. Also called: HYPERTROPHIC MYOCARDIOPATHY. Identifiers: Orphanet 217569, MedGen C0007194, MeSH D002312, MONDO:0005045, HP:0001639.

Allele frequency attached by ClinVar (database versions not stated): TOPMed 0.00006; gnomAD exomes 0.00004; ExAC 0.00006; gnomAD 0.00006.
gnomAD v4.1: 59 of 1,601,008 alleles (0.0037%); highest among the groups gnomAD compares: East Asian, 0.02%; no homozygotes.

Submissions (3):

Labcorp Genetics (formerly Invitae), Labcorp
Classification: Likely benign for Hypertrophic cardiomyopathy. Last evaluated: 2025-12-16. Review status: criteria provided, single submitter. Criteria: Invitae Variant Classification Sherloc (09022015). Collection method: clinical testing. Allele origin: germline.

GeneDx
Classification: Benign. Last evaluated: 2015-03-03. Review status: criteria provided, single submitter. Criteria: GeneDx Variant Classification Process June 2021. Collection method: clinical testing. Allele origin: germline. Affected: yes.

Laboratory for Molecular Medicine, Mass General Brigham Personalized Medicine
Classification: Likely benign. Last evaluated: 2013-02-07. Review status: criteria provided, single submitter. Criteria: LMM Criteria. Collection method: clinical testing. Allele origin: germline. Observed: 1 variant allele.
Comment: 654+12G>A in intron 5 of MYBPC3: This variant is not expected to have clinical s ignificance because it is not located within the splice consensus sequence. 65 4+12G>A in intron 5 of MYBPC3 (allele frequency = n/a)